The following is an entry in ClinVar:

ClinVar aggregate classification (germline): Uncertain significance (1 of 4 stars; one submission).

Conditions:
LRRC45-related disorder. Also called: LRRC45-related condition.

gnomAD v4.1: 3 of 1,422,744 alleles (0.00021%); highest among the groups gnomAD compares: Non-Finnish European, 0.00028%; no homozygotes.

Submission:

PreventionGenetics, part of Exact Sciences
Classification: Uncertain significance for LRRC45-related condition. Last evaluated: 2025-12-17. Review status: criteria provided, single submitter. Criteria: ACMG Guidelines, 2015. Collection method: clinical testing. Allele origin: germline.
Comment: The LRRC45 c.1849G>A variant is predicted to result in the amino acid substitution p.Asp617Asn. To our knowledge, this variant has not been reported in the literature or in a large population database (gnomAD), indicating this variant is rare. At this time, the clinical significance of this variant is uncertain due to the absence of conclusive functional and genetic evidence.

NM_144999.4(LRRC45):c.1849G>A (p.Asp617Asn)

Gene: LRRC45 (leucine rich repeat containing 45; plus strand). Cytogenetic location: 17q25.3.
Variant type: single nucleotide variant.
Coding change: c.1849G>A on transcript NM_144999.4 (MANE Select); coding-DNA position 1849, G replaced by A.
Protein change: p.Asp617Asn; replaces aspartic acid 617 with asparagine.
Molecular consequence: missense variant.
Genome position (GRCh38, 1-based): chr17:82,030,641, G>A. VCF-style: chr17-82030641-G-A. GRCh37 (hg19) VCF-style: chr17-79988517-G-A.
Other names: short protein forms D617N.
Identifiers: ClinVar variation 4995543 (VCV004995543.1).